The following is an entry in ClinVar:

NM_005061.3(RPL3L):c.680G>A (p.Gly227Asp)

Gene: RPL3L (ribosomal protein L3 like; minus strand). Cytogenetic location: 16p13.3.
Variant type: single nucleotide variant.
Coding change: c.680G>A on transcript NM_005061.3 (MANE Select); coding-DNA position 680, G replaced by A.
Protein change: p.Gly227Asp; replaces glycine 227 with aspartic acid.
Molecular consequence: missense variant.
Genome position (GRCh38, 1-based): chr16:1,947,202, C>T on the plus strand (G>A on the coding strand, the complement: RPL3L is on the minus strand). VCF-style: chr16-1947202-C-T. GRCh37 (hg19) VCF-style: chr16-1997203-C-T.
Other names: short protein forms G227D.
Identifiers: ClinVar variation 5037355 (VCV005037355.1).

ClinVar aggregate classification (germline): Uncertain significance (1 of 4 stars; one submission).

gnomAD v4.1: 1 of 1,612,960 alleles (0.000062%); highest among the groups gnomAD compares: Non-Finnish European, 0.000085%; no homozygotes.

Submission:

GeneDx
Classification: Uncertain significance. Last evaluated: 2026-04-17. Review status: criteria provided, single submitter. Criteria: GeneDx Variant Classification Process June 2021. Collection method: clinical testing. Allele origin: germline.
Comment: Not observed at significant frequency in large population cohorts (gnomAD); In silico analysis supports that this missense variant has a deleterious effect on protein structure/function; Has not been previously published as pathogenic or benign to our knowledge